The following is an entry in ClinVar:

ClinVar aggregate classification (germline): Pathogenic (1 of 4 stars; one submission).

Conditions:
Multiple congenital exostosis (EXT). Also called: MULTIPLE CARTILAGINOUS EXOSTOSES; Hereditary multiple exostoses; Hereditary multiple exostosis; Multiple exostoses; Multiple osteochondromas; Hereditary multiple osteochondromas. Identifiers: Orphanet 321, MedGen C0015306, MONDO:0005508, HP:0002762.

Submission:

Labcorp Genetics (formerly Invitae), Labcorp
Classification: Pathogenic for Multiple congenital exostosis. Last evaluated: 2021-07-14. Review status: criteria provided, single submitter. Criteria: Invitae Variant Classification Sherloc (09022015). Collection method: clinical testing. Allele origin: germline.
Comment: This sequence change creates a premature translational stop signal (p.Gly473Valfs*2) in the EXT1 gene. It is expected to result in an absent or disrupted protein product. Loss-of-function variants in EXT1 are known to be pathogenic (PMID: 10679937, 11391482, 19810120). This variant is not present in population databases (ExAC no frequency). This variant has not been reported in the literature in individuals affected with EXT1-related conditions. This variant is also known as c.1417+1del. Algorithms developed to predict the effect of sequence changes on RNA splicing suggest that this variant may disrupt the consensus splice site. For these reasons, this variant has been classified as Pathogenic.

Literature cited by the submitters: PubMed 10679937; PubMed 11391482; PubMed 19810120.

NM_000127.3(EXT1):c.1417+1del

Gene: EXT1 (exostosin glycosyltransferase 1; minus strand). Cytogenetic location: 8q24.11.
Variant type: Deletion.
Coding change: c.1417+1del on transcript NM_000127.3 (MANE Select); the canonical splice donor site of the intron after coding-DNA position 1417, one base deleted (G; older notation c.1417+1delG).
Molecular consequence: splice donor variant.
Genome position (GRCh38, 1-based): chr8:117,822,464, C deleted on the plus strand (G on the coding strand, the reverse complement: EXT1 is on the minus strand); the first of 2 consecutive C bases (chr8:117,822,464-117,822,465); deleting either gives the same sequence. VCF-style (leftmost placement, unchanged base first): chr8-117822463-AC-A. GRCh37 (hg19) VCF-style: chr8-118834702-AC-A.
Identifiers: ClinVar variation 1452000 (VCV001452000.6), dbSNP rs2129748931, ClinGen allele CA2573142821.